The following is an entry in ClinVar:

NM_004991.4(MECOM):c.1432G>C (p.Gly478Arg)

Gene: MECOM (MDS1 and EVI1 complex locus; minus strand). Cytogenetic location: 3q26.2.
Variant type: single nucleotide variant.
Coding change: c.1432G>C on transcript NM_004991.4 (MANE Select); coding-DNA position 1432, G replaced by C.
Protein change: p.Gly478Arg; replaces glycine 478 with arginine.
Molecular consequence: missense variant. On other transcripts: intron variant (2).
Genome position (GRCh38, 1-based): chr3:169,116,440, C>G on the plus strand (G>C on the coding strand, the complement: MECOM is on the minus strand). VCF-style: chr3-169116440-C-G. GRCh37 (hg19) VCF-style: chr3-168834228-C-G.
Other names: c.1063G>C, p.Gly355Arg (NM_001105077.4); c.868G>C, p.Gly290Arg (NM_001105078.4, NM_001164000.2, NM_001205194.2 and 4 more transcripts); c.871G>C, p.Gly291Arg (NM_001163999.2, NM_001366467.2, NM_001366468.2 and 1 more transcripts); c.1432G>C, p.Gly478Arg (NM_001366466.2); c.1133-673G>C (NM_001366473.2); c.569-673G>C (NM_001366474.2); short protein forms G291R, G478R, G290R, G355R.
Identifiers: ClinVar variation 4826726 (VCV004826726.1).

ClinVar aggregate classification (germline): Uncertain significance (1 of 4 stars; one submission).

Conditions:
Inborn genetic diseases. Identifiers: MedGen C0950123, MeSH D030342.

gnomAD v4.1: 1 of 1,613,998 alleles (0.000062%); no homozygotes.

Submission:

Ambry Genetics
Classification: Uncertain significance for Inborn genetic diseases. Last evaluated: 2026-03-12. Review status: criteria provided, single submitter. Criteria: Ambry Variant Classification Scheme 2023. Collection method: clinical testing. Allele origin: germline.
Comment: The p.G478R variant (also known as c.1432G>C), located in coding exon 8 of the MECOM gene, results from a G to C substitution at nucleotide position 1432. The glycine at codon 478 is replaced by arginine, an amino acid with dissimilar properties. This amino acid position is conserved. In addition, the in silico prediction for this alteration is inconclusive. Based on the available evidence, the clinical significance of this variant remains unclear.